The following is an entry in ClinVar:

ClinVar aggregate classification (germline): Uncertain significance. Review status: criteria provided, multiple submitters, no conflicts (2 of 4 stars). 2 submissions from 2 submitters: Uncertain significance (2). Last evaluated 2025-07-15.

Allele frequency attached by ClinVar (database versions not stated): gnomAD 0.00002; 1000 Genomes Project 30x 0.00016; 1000 Genomes Project 0.00020.
gnomAD v4.1: 31 of 1,519,102 alleles (0.002%); highest among the groups gnomAD compares: Middle Eastern, 0.036%; no homozygotes.

Submissions (2):

Ambry Genetics
Classification: Uncertain significance. Last evaluated: 2025-07-15. Review status: criteria provided, single submitter. Criteria: Ambry Variant Classification Scheme 2023. Collection method: clinical testing. Allele origin: germline.

Labcorp Genetics (formerly Invitae), Labcorp
Classification: Uncertain significance. Last evaluated: 2024-01-31. Review status: criteria provided, single submitter. Criteria: Invitae Variant Classification Sherloc (09022015). Collection method: clinical testing. Allele origin: germline.
Comment: This sequence change replaces alanine, which is neutral and non-polar, with proline, which is neutral and non-polar, at codon 155 of the CASZ1 protein (p.Ala155Pro). This variant is present in population databases (rs558519323, gnomAD 0.03%). This variant has not been reported in the literature in individuals affected with CASZ1-related conditions. An algorithm developed to predict the effect of missense changes on protein structure and function (PolyPhen-2) suggests that this variant is likely to be tolerated. In summary, the available evidence is currently insufficient to determine the role of this variant in disease. Therefore, it has been classified as a Variant of Uncertain Significance.

NM_001079843.3(CASZ1):c.463G>C (p.Ala155Pro)

Gene: CASZ1 (castor zinc finger 1; minus strand). Cytogenetic location: 1p36.22.
Variant type: single nucleotide variant.
Coding change: c.463G>C on transcript NM_001079843.3 (MANE Select); coding-DNA position 463, G replaced by C.
Protein change: p.Ala155Pro; replaces alanine 155 with proline.
Molecular consequence: missense variant.
Genome position (GRCh38, 1-based): chr1:10,665,125, C>G on the plus strand (G>C on the coding strand, the complement: CASZ1 is on the minus strand). VCF-style: chr1-10665125-C-G. GRCh37 (hg19) VCF-style: chr1-10725182-C-G.
Other names: c.463G>C (NM_001079843.1); c.463G>C, p.Ala155Pro (NM_017766.5); short protein forms A155P.
Identifiers: ClinVar variation 2957361 (VCV002957361.4), dbSNP rs558519323, ClinGen allele CA585436.